The following is an entry in ClinVar:

NM_006236.3(POU3F3):c.369G>A (p.Ser123=)

Gene: POU3F3 (POU class 3 homeobox 3; plus strand). Cytogenetic location: 2q12.1.
Variant type: single nucleotide variant.
Coding change: c.369G>A on transcript NM_006236.3 (MANE Select); coding-DNA position 369, G replaced by A.
Protein change: p.Ser123=; no amino-acid change (serine 123 retained).
Molecular consequence: synonymous variant.
Genome position (GRCh38, 1-based): chr2:104,855,879, G>A. VCF-style: chr2-104855879-G-A. GRCh37 (hg19) VCF-style: chr2-105472337-G-A.
Identifiers: ClinVar variation 1701384 (VCV001701384.32), dbSNP rs1018956053, ClinGen allele CA53278073.

ClinVar aggregate classification (germline): Likely benign. Review status: criteria provided, multiple submitters, no conflicts (2 of 4 stars). 2 submissions from 2 submitters: Likely benign (2). Last evaluated 2024-10-31.

Allele frequency attached by ClinVar (database versions not stated): gnomAD 0.00009; 1000 Genomes Project 30x 0.00031.
gnomAD v4.1: 65 of 1,058,042 alleles (0.0061%); highest among the groups gnomAD compares: Middle Eastern, 0.045%; no homozygotes.

Submissions (2):

Blueprint Genetics
Classification: Likely benign. Last evaluated: 2024-10-31. Review status: criteria provided, single submitter. Criteria: ACMG Guidelines, 2015. Collection method: clinical testing. Allele origin: germline.

CeGaT Center for Human Genetics Tuebingen
Classification: Likely benign. Last evaluated: 2023-12-01. Review status: criteria provided, single submitter. Criteria: CeGaT Center For Human Genetics Tuebingen Variant Classification Criteria Version 2. Collection method: clinical testing. Allele origin: germline. Affected: yes. Observed: 3 variant alleles.
Comment: POU3F3: BP4, BP7